The following is an entry in ClinVar:

NM_000750.5(CHRNB4):c.1411G>C (p.Val471Leu)

Gene: CHRNB4 (cholinergic receptor nicotinic beta 4 subunit; minus strand). Cytogenetic location: 15q25.1.
Variant type: single nucleotide variant.
Coding change: c.1411G>C on transcript NM_000750.5 (MANE Select); coding-DNA position 1411, G replaced by C.
Protein change: p.Val471Leu; replaces valine 471 with leucine.
Molecular consequence: missense variant. On other transcripts: synonymous variant (1).
Genome position (GRCh38, 1-based): chr15:78,625,219, C>G on the plus strand (G>C on the coding strand, the complement: CHRNB4 is on the minus strand). VCF-style: chr15-78625219-C-G. GRCh37 (hg19) VCF-style: chr15-78917561-C-G.
Other names: c.432G>C, p.Ala144= (NM_001256567.3); short protein forms V471L.
Identifiers: ClinVar variation 3336651 (VCV003336651.1).

ClinVar aggregate classification (germline): no classifications from unflagged records (0 of 4 stars; one submission).

Conditions:
Chronic obstructive pulmonary disease. Also called: Chronic pulmonary obstruction. Identifiers: MedGen C0024117, MeSH D029424, MONDO:0005002, OMIM 606963, HP:0006510.

gnomAD v4.1: 4 of 1,595,626 alleles (0.00025%); highest among the groups gnomAD compares: Non-Finnish European, 0.00034%; no homozygotes.

Submission:

Dr Mariam's Lab, University of the Punjab
Classification: Pathogenic for Chronic obstructive pulmonary disease. Review status: flagged submission. Collection method: case-control. Allele origin: germline. Affected: yes.
ClinVar note: Notes: This phenotype is not a monogenic disease. The terms P/LP are not appropriate.
ClinVar note: Reason: Other